The following is an entry in ClinVar:

NM_001374736.1(DST):c.17437T>A (p.Ser5813Thr)

Gene: DST (dystonin; minus strand). Cytogenetic location: 6p12.1.
Variant type: single nucleotide variant.
Coding change: c.17437T>A on transcript NM_001374736.1 (MANE Select); coding-DNA position 17437, T replaced by A.
Protein change: p.Ser5813Thr; replaces serine 5813 with threonine.
Molecular consequence: missense variant. On other transcripts: intron variant (2).
Genome position (GRCh38, 1-based): chr6:56,529,606, A>T on the plus strand (T>A on the coding strand, the complement: DST is on the minus strand). VCF-style: chr6-56529606-A-T. GRCh37 (hg19) VCF-style: chr6-56394404-A-T.
Other names: c.11080T>A, p.Ser3694Thr (NM_001144769.5); c.10666T>A, p.Ser3556Thr (NM_001144770.2); c.17437T>A, p.Ser5813Thr (NM_001374722.1); c.17464T>A, p.Ser5822Thr (NM_001374734.1); c.10546T>A, p.Ser3516Thr (NM_001386100.1, NM_183380.4); c.9568T>A, p.Ser3190Thr (NM_015548.5); c.10377+368T>A (NM_001374730.1); c.16635+368T>A (NM_001374729.1); short protein forms S3694T, S3190T, S5813T, S5822T, S3516T, S3556T.
Identifiers: ClinVar variation 2939295 (VCV002939295.3), dbSNP rs2534831128, ClinGen allele CA364508288.

ClinVar aggregate classification (germline): Uncertain significance (1 of 4 stars; one submission).

Conditions:
Hereditary sensory and autonomic neuropathy type 6. Also called: HSAN VI; Neuropathy, hereditary sensory and autonomic, type VI. Identifiers: Orphanet 314381, MedGen C3539003, MONDO:0013839, OMIM 614653.
Epidermolysis bullosa simplex 3, localized or generalized intermediate, with BP230 deficiency (EBS3). Also called: Epidermolysis bullosa simplex due to BP230 deficiency; Epidermolysis bullosa simplex, autosomal recessive 2. Identifiers: Orphanet 412181, MedGen C3809470, MONDO:0014180, OMIM 615425.

Submission:

Labcorp Genetics (formerly Invitae), Labcorp
Classification: Uncertain significance for Epidermolysis bullosa simplex 3, localized or generalized intermediate, with BP230 deficiency; Hereditary sensory and autonomic neuropathy type 6. Last evaluated: 2023-05-09. Review status: criteria provided, single submitter. Criteria: Invitae Variant Classification Sherloc (09022015). Collection method: clinical testing. Allele origin: germline.
Comment: In summary, the available evidence is currently insufficient to determine the role of this variant in disease. Therefore, it has been classified as a Variant of Uncertain Significance. Experimental studies and prediction algorithms are not available or were not evaluated, and the functional significance of this variant is currently unknown. This variant has not been reported in the literature in individuals affected with DST-related conditions. This variant is not present in population databases (gnomAD no frequency). This sequence change replaces serine, which is neutral and polar, with threonine, which is neutral and polar, at codon 3190 of the DST protein (p.Ser3190Thr). The DST gene has multiple clinically relevant transcripts. This variant occurs in alternate transcript NM_015548.4, and corresponds to NM_001723.5:c.*85911T>A in the primary transcript.